The following is an entry in ClinVar:

ClinVar aggregate classification (germline): Uncertain significance (1 of 4 stars; one submission).

Submission:

GeneDx
Classification: Uncertain significance. Last evaluated: 2024-02-16. Review status: criteria provided, single submitter. Criteria: GeneDx Variant Classification Process June 2021. Collection method: clinical testing. Allele origin: germline. Affected: yes.
Comment: Not observed at significant frequency in large population cohorts (gnomAD); In silico analysis supports that this missense variant has a deleterious effect on protein structure/function; Has not been previously published as pathogenic or benign to our knowledge

NM_002653.5(PITX1):c.542A>G (p.Tyr181Cys)

Gene: PITX1 (paired like homeodomain 1; minus strand). Cytogenetic location: 5q31.1.
Variant type: single nucleotide variant.
Coding change: c.542A>G on transcript NM_002653.5 (MANE Select); coding-DNA position 542, A replaced by G.
Protein change: p.Tyr181Cys; replaces tyrosine 181 with cysteine.
Molecular consequence: missense variant.
Genome position (GRCh38, 1-based): chr5:135,029,182, T>C on the plus strand (A>G on the coding strand, the complement: PITX1 is on the minus strand). VCF-style: chr5-135029182-T-C. GRCh37 (hg19) VCF-style: chr5-134364872-T-C.
Other names: short protein forms Y181C.
Identifiers: ClinVar variation 3369317 (VCV003369317.1).